The following is an entry in ClinVar:

NM_004360.5(CDH1):c.699C>G (p.His233Gln)

Gene: CDH1 (cadherin 1; plus strand). Cytogenetic location: 16q22.1.
Variant type: single nucleotide variant.
Coding change: c.699C>G on transcript NM_004360.5 (MANE Select); coding-DNA position 699, C replaced by G.
Protein change: p.His233Gln; replaces histidine 233 with glutamine.
Molecular consequence: missense variant. On other transcripts: 5 prime UTR variant (2).
Genome position (GRCh38, 1-based): chr16:68,810,208, C>G. VCF-style: chr16-68810208-C-G. GRCh37 (hg19) VCF-style: chr16-68844111-C-G.
Other names: c.699C>G, p.His233Gln (NM_001317184.2); c.-917C>G (NM_001317185.2); c.-1121C>G (NM_001317186.2); c.699C>G (LRG_301t1); short protein forms H233Q.
Identifiers: ClinVar variation 233773 (VCV000233773.15), dbSNP rs115494727, ClinGen allele CA10580090.

ClinVar aggregate classification (germline): Uncertain significance. Review status: criteria provided, multiple submitters, no conflicts (2 of 4 stars). 2 submissions from 2 submitters: Uncertain significance (2). Last evaluated 2024-05-22.

Conditions:
Hereditary cancer-predisposing syndrome. Also called: Tumor predisposition; Hereditary Cancer Syndrome; Hereditary neoplastic syndrome; Neoplastic Syndromes, Hereditary. Identifiers: Orphanet 140162, MedGen C0027672, MeSH D009386, MONDO:0015356.
Hereditary diffuse gastric adenocarcinoma (HDGC). Also called: DIFFUSE GASTRIC AND LOBULAR BREAST CANCER SYNDROME. Identifiers: Orphanet 26106, MedGen C1708349, MONDO:0007648, OMIM 137215.

Submissions (2):

Labcorp Genetics (formerly Invitae), Labcorp
Classification: Uncertain significance for Hereditary diffuse gastric adenocarcinoma. Last evaluated: 2024-05-22. Review status: criteria provided, single submitter. Criteria: Invitae Variant Classification Sherloc (09022015). Collection method: clinical testing. Allele origin: germline.
Comment: This sequence change replaces histidine, which is basic and polar, with glutamine, which is neutral and polar, at codon 233 of the CDH1 protein (p.His233Gln). This variant is not present in population databases (gnomAD no frequency). This variant has not been reported in the literature in individuals affected with CDH1-related conditions. ClinVar contains an entry for this variant (Variation ID: 233773). An algorithm developed to predict the effect of missense changes on protein structure and function (PolyPhen-2) suggests that this variant is likely to be disruptive. In summary, the available evidence is currently insufficient to determine the role of this variant in disease. Therefore, it has been classified as a Variant of Uncertain Significance.

Ambry Genetics
Classification: Uncertain significance for Hereditary cancer-predisposing syndrome. Last evaluated: 2023-11-17. Review status: criteria provided, single submitter. Criteria: Ambry Variant Classification Scheme 2023. Collection method: clinical testing. Allele origin: germline.
Comment: The p.H233Q variant (also known as c.699C>G), located in coding exon 6 of the CDH1 gene, results from a C to G substitution at nucleotide position 699. The histidine at codon 233 is replaced by glutamine, an amino acid with highly similar properties. This amino acid position is well conserved in available vertebrate species. In addition, the in silico prediction for this alteration is inconclusive. Since supporting evidence is limited at this time, the clinical significance of this alteration remains unclear.